The following is an entry in ClinVar:

ClinVar aggregate classification (germline): Likely benign. Review status: criteria provided, multiple submitters, no conflicts (2 of 4 stars). 3 submissions from 3 submitters: Likely benign (3). Last evaluated 2025-10-04.

Conditions:
Cardiovascular phenotype. Identifiers: MedGen CN230736.
Telangiectasia, hereditary hemorrhagic, type 5 (HHT5). Identifiers: Orphanet 774, MedGen C3809710, MONDO:0014217, OMIM 615506.

Allele frequency attached by ClinVar (database versions not stated): TOPMed 0.00002; gnomAD 0.00009; 1000 Genomes Project 30x 0.00016; 1000 Genomes Project 0.00020.
gnomAD v4.1: 44 of 1,613,882 alleles (0.0027%); highest among the groups gnomAD compares: Admixed American, 0.0083%; no homozygotes.

Submissions (3):

Labcorp Genetics (formerly Invitae), Labcorp
Classification: Likely benign for Telangiectasia, hereditary hemorrhagic, type 5. Last evaluated: 2025-10-04. Review status: criteria provided, single submitter. Criteria: Invitae Variant Classification Sherloc (09022015). Collection method: clinical testing. Allele origin: germline.

Mayo Clinic Laboratories, Mayo Clinic
Classification: Likely benign. Last evaluated: 2025-05-06. Review status: criteria provided, single submitter. Criteria: ACMG Guidelines, 2015. Collection method: clinical testing. Allele origin: germline. Observed: 1 variant allele.
Comment: BP4, BP7

Ambry Genetics
Classification: Likely benign for Cardiovascular phenotype. Last evaluated: 2022-10-07. Review status: criteria provided, single submitter. Criteria: Ambry Variant Classification Scheme 2023. Collection method: clinical testing. Allele origin: germline.

NM_016204.4(GDF2):c.930G>A (p.Ala310=)

Gene: GDF2 (growth differentiation factor 2; plus strand). Cytogenetic location: 10q11.22.
Variant type: single nucleotide variant.
Coding change: c.930G>A on transcript NM_016204.4 (MANE Select); coding-DNA position 930, G replaced by A.
Protein change: p.Ala310=; no amino-acid change (alanine 310 retained).
Molecular consequence: synonymous variant.
Genome position (GRCh38, 1-based): chr10:47,325,424, G>A. VCF-style: chr10-47325424-G-A. GRCh37 (hg19) VCF-style: chr10-48413938-C-T.
Other names: p.Ala310=.
Identifiers: ClinVar variation 947734 (VCV000947734.13), dbSNP rs200838331, ClinGen allele CA5487987.